The following is an entry in ClinVar:

NM_001164508.2(NEB):c.18659_18660dup (p.His6221fs)

Gene: NEB (nebulin; minus strand). Cytogenetic location: 2q23.3.
Variant type: Duplication.
Coding change: c.18659_18660dup on transcript NM_001164508.2 (MANE Select); coding-DNA positions 18659 to 18660, 2 bases duplicated (TT; older notation c.18659_18660dupTT).
Protein change: p.His6221fs; shifts the reading frame from histidine 6221.
Molecular consequence: frameshift variant.
Genome position (GRCh38, 1-based): chr2:151,563,639-151,563,640, AA duplicated on the plus strand (TT on the coding strand, the reverse complement: NEB is on the minus strand). VCF-style (leftmost placement, unchanged base first): chr2-151563638-G-GAA. GRCh37 (hg19) VCF-style: chr2-152420152-G-GAA.
Other names: c.18659_18660dup, p.His6221fs (NM_001164507.2, NM_001271208.2); c.13556_13557dup, p.His4520fs (NM_004543.5); short protein forms H4520fs, H6221fs.
Identifiers: ClinVar variation 5012970 (VCV005012970.1).

ClinVar aggregate classification (germline): Pathogenic (1 of 4 stars; one submission).

Conditions:
Nemaline myopathy 2 (NEM2). Also called: Nemaline myopathy 2, autosomal recessive. Identifiers: MedGen C1850569, MONDO:0009725, OMIM 256030.

Submission:

Myriad Genetics, Inc.
Classification: Pathogenic for Nemaline myopathy 2. Last evaluated: 2024-04-28. Review status: criteria provided, single submitter. Criteria: Myriad Autosomal Dominant, Autosomal Recessive and X-Linked Classification Criteria (2023). Collection method: clinical testing. Allele origin: unknown.
Comment: NM_001271208.1(NEB):c.18659_18660dupTT(H6221Ffs*9) is expected to be pathogenic in the context of NEB-related nemaline myopathy. This variant is predicted to lead to an abnormal or absent protein product due to the creation of a premature termination codon in NEB, a gene where loss-of-function variants are known to be pathogenic. Please note: this variant was assessed in the context of healthy population screening.